The following is an entry in ClinVar:

NM_006218.4(PIK3CA):c.592G>A (p.Val198Ile)

Gene: PIK3CA (phosphatidylinositol-4,5-bisphosphate 3-kinase catalytic subunit alpha; plus strand). Cytogenetic location: 3q26.32.
Variant type: single nucleotide variant.
Coding change: c.592G>A on transcript NM_006218.4 (MANE Select); coding-DNA position 592, G replaced by A.
Protein change: p.Val198Ile; replaces valine 198 with isoleucine.
Molecular consequence: missense variant.
Genome position (GRCh38, 1-based): chr3:179,201,319, G>A. VCF-style: chr3-179201319-G-A. GRCh37 (hg19) VCF-style: chr3-178919107-G-A.
Other names: short protein forms V198I.
Identifiers: ClinVar variation 3061242 (VCV003061242.2), dbSNP rs2473893467, ClinGen allele CA355276061.

ClinVar aggregate classification (germline): Uncertain significance (0 of 4 stars; one submission).

Conditions:
PIK3CA-related disorder. Also called: PIK3CA-related condition; PIK3CA-related disorders; PIK3CA- related disease.

Submission:

PreventionGenetics, part of Exact Sciences
Classification: Uncertain significance for PIK3CA-related condition. Last evaluated: 2024-02-27. Review status: no assertion criteria provided. Collection method: clinical testing. Allele origin: germline.
Comment: The PIK3CA c.592G>A variant is predicted to result in the amino acid substitution p.Val198Ile. To our knowledge, this variant has not been reported in the literature or in a large population database, indicating this variant is rare. At this time, the clinical significance of this variant is uncertain due to the absence of conclusive functional and genetic evidence.